The following is an entry in ClinVar:

NM_015557.3(CHD5):c.3914A>C (p.Glu1305Ala)

Gene: CHD5 (chromodomain helicase DNA binding protein 5; minus strand). Cytogenetic location: 1p36.31.
Variant type: single nucleotide variant.
Coding change: c.3914A>C on transcript NM_015557.3 (MANE Select); coding-DNA position 3914, A replaced by C.
Protein change: p.Glu1305Ala; replaces glutamic acid 1305 with alanine.
Molecular consequence: missense variant.
Genome position (GRCh38, 1-based): chr1:6,126,736, T>G on the plus strand (A>C on the coding strand, the complement: CHD5 is on the minus strand). VCF-style: chr1-6126736-T-G. GRCh37 (hg19) VCF-style: chr1-6186796-T-G.
Other names: short protein forms E1305A.
Identifiers: ClinVar variation 4527565 (VCV004527565.1).

ClinVar aggregate classification (germline): Uncertain significance (1 of 4 stars; one submission).

Submission:

GeneDx
Classification: Uncertain significance. Last evaluated: 2025-04-30. Review status: criteria provided, single submitter. Criteria: GeneDx Variant Classification Process June 2021. Collection method: clinical testing. Allele origin: germline. Affected: yes.
Comment: Not observed at significant frequency in large population cohorts (gnomAD); In silico analysis supports that this missense variant has a deleterious effect on protein structure/function; Has not been previously published as pathogenic or benign to our knowledge